The following is an entry in ClinVar:

ClinVar aggregate classification (germline): Benign (0 of 4 stars; one submission).

Conditions:
KLHL21-related disorder. Also called: KLHL21-related condition.

Allele frequency attached by ClinVar (database versions not stated): 1000 Genomes Project 0.00100; 1000 Genomes Project 30x 0.00125; ESP Exome Variant Server 0.00202.

Submission:

PreventionGenetics, part of Exact Sciences
Classification: Benign for KLHL21-related condition. Last evaluated: 2020-03-06. Review status: no assertion criteria provided. Collection method: clinical testing. Allele origin: germline.
Comment: This variant is classified as benign based on ACMG/AMP sequence variant interpretation guidelines (Richards et al. 2015 PMID: 25741868, with internal and published modifications).

NM_014851.4(KLHL21):c.1779C>T (p.Pro593=)

Gene: KLHL21 (kelch like family member 21; minus strand). Cytogenetic location: 1p36.31.
Variant type: single nucleotide variant.
Coding change: c.1779C>T on transcript NM_014851.4 (MANE Select); coding-DNA position 1779, C replaced by T.
Protein change: p.Pro593=; no amino-acid change (proline 593 retained).
Molecular consequence: synonymous variant. On other transcripts: 3 prime UTR variant (1).
Genome position (GRCh38, 1-based): chr1:6,593,380, G>A on the plus strand (C>T on the coding strand, the complement: KLHL21 is on the minus strand). VCF-style: chr1-6593380-G-A. GRCh37 (hg19) VCF-style: chr1-6653440-G-A.
Other names: c.*728C>T (NM_001324309.2).
Identifiers: ClinVar variation 3035585 (VCV003035585.2), dbSNP rs141252990, ClinGen allele CA564132.
Genomic context (GRCh38, chr1:6,593,380, plus strand): 5'-GGTGCCAGTTACCTGCACCGAGGCCCGTGCCGGGCCAGACTGGGGCTAGTGCAGCTCATC[G>A]GGGTCCCGCGGCGGCCGGGGTCGGCCTGGGTCCATGTCATCGCTGCCACTGTCCAACTCG-3'
Protein context (NP_055666.2, residues 583-597): DPGRPRPPRD[Pro593=]DELH